The following is an entry in ClinVar:

ClinVar aggregate classification (germline): Likely benign (1 of 4 stars; one submission).

Allele frequency attached by ClinVar (database versions not stated): gnomAD exomes 0.00034; ExAC 0.00078; gnomAD 0.00238; ESP Exome Variant Server 0.00239; TOPMed 0.00272; 1000 Genomes Project 0.00339; 1000 Genomes Project 30x 0.00344.
gnomAD v4.1: 971 of 1,611,976 alleles (0.06%); highest among the groups gnomAD compares: African/African-American, 0.93%; 27 homozygotes.

Submission:

CeGaT Center for Human Genetics Tuebingen
Classification: Likely benign. Last evaluated: 2022-04-01. Review status: criteria provided, single submitter. Criteria: CeGaT Center For Human Genetics Tuebingen Variant Classification Criteria Version 2. Collection method: clinical testing. Allele origin: germline. Affected: yes. Observed: 1 variant allele.
Comment: PSG7: BP4, BP7

NM_002783.3(PSG7):c.177C>T (p.Pro59=)

Gene: PSG7 (pregnancy specific beta-1-glycoprotein 7; minus strand). Cytogenetic location: 19q13.31.
Variant type: single nucleotide variant.
Coding change: c.177C>T on transcript NM_002783.3 (MANE Select); coding-DNA position 177, C replaced by T.
Protein change: p.Pro59=; no amino-acid change (proline 59 retained).
Molecular consequence: synonymous variant. On other transcripts: intron variant (1).
Genome position (GRCh38, 1-based): chr19:42,935,657, G>A on the plus strand (C>T on the coding strand, the complement: PSG7 is on the minus strand). VCF-style: chr19-42935657-G-A. GRCh37 (hg19) VCF-style: chr19-43439809-G-A.
Other names: c.64+1356C>T (NM_001206650.2).
Identifiers: ClinVar variation 2650054 (VCV002650054.24), dbSNP rs145889914, ClinGen allele CA406155844.